The following is an entry in ClinVar:

NM_025137.4(SPG11):c.916C>T (p.Pro306Ser)

Gene: SPG11 (SPG11 vesicle trafficking associated, spatacsin; minus strand). Cytogenetic location: 15q21.1.
Variant type: single nucleotide variant.
Coding change: c.916C>T on transcript NM_025137.4 (MANE Select); coding-DNA position 916, C replaced by T.
Protein change: p.Pro306Ser; replaces proline 306 with serine.
Molecular consequence: missense variant.
Genome position (GRCh38, 1-based): chr15:44,652,220, G>A on the plus strand (C>T on the coding strand, the complement: SPG11 is on the minus strand). VCF-style: chr15-44652220-G-A. GRCh37 (hg19) VCF-style: chr15-44944418-G-A.
Other names: c.916C>T, p.Pro306Ser (NM_001160227.2); short protein forms P306S.
Identifiers: ClinVar variation 943126 (VCV000943126.8), dbSNP rs776413713, ClinGen allele CA7535676.

ClinVar aggregate classification (germline): Uncertain significance. Review status: criteria provided, multiple submitters, no conflicts (2 of 4 stars). 2 submissions from 2 submitters: Uncertain significance (2). Last evaluated 2024-11-07.

Conditions:
Inborn genetic diseases. Identifiers: MedGen C0950123, MeSH D030342.
Hereditary spastic paraplegia 11. Also called: Spastic Paraplegia 11; Nakamura Osame syndrome; Autosomal recessive hereditary spastic paraplegia, mental impairment, and thin corpus callosum; Spastic paraplegia, mental retardation and thin corpus callosum; SPASTIC PARAPLEGIA, AUTOSOMAL RECESSIVE, COMPLICATED, WITH THIN CORPUS CALLOSUM; SPASTIC PARAPLEGIA, AUTOSOMAL RECESSIVE, WITH MENTAL IMPAIRMENT AND THIN CORPUS CALLOSUM. Identifiers: Orphanet 2822, MedGen C1858479, MONDO:0011445, OMIM 604360.

Allele frequency attached by ClinVar (database versions not stated): gnomAD exomes below 0.00001; ExAC 0.00001; TOPMed 0.00004.
gnomAD v4.1: 4 of 1,613,930 alleles (0.00025%); highest among the groups gnomAD compares: African/African-American, 0.004%; no homozygotes.

Submissions (2):

Ambry Genetics
Classification: Uncertain significance for Inborn genetic diseases. Last evaluated: 2024-11-07. Review status: criteria provided, single submitter. Criteria: Ambry Variant Classification Scheme 2023. Collection method: clinical testing. Allele origin: germline.

Labcorp Genetics (formerly Invitae), Labcorp
Classification: Uncertain significance for Hereditary spastic paraplegia 11. Last evaluated: 2022-07-11. Review status: criteria provided, single submitter. Criteria: Invitae Variant Classification Sherloc (09022015). Collection method: clinical testing. Allele origin: germline.
Comment: This sequence change replaces proline, which is neutral and non-polar, with serine, which is neutral and polar, at codon 306 of the SPG11 protein (p.Pro306Ser). This variant is present in population databases (rs776413713, gnomAD 0.007%). This variant has not been reported in the literature in individuals affected with SPG11-related conditions. ClinVar contains an entry for this variant (Variation ID: 943126). Algorithms developed to predict the effect of missense changes on protein structure and function are either unavailable or do not agree on the potential impact of this missense change (SIFT: "Deleterious"; PolyPhen-2: "Probably Damaging"; Align-GVGD: "Class C0"). In summary, the available evidence is currently insufficient to determine the role of this variant in disease. Therefore, it has been classified as a Variant of Uncertain Significance.